The following is an entry in ClinVar:

ClinVar aggregate classification (germline): Uncertain significance (1 of 4 stars; one submission).

Submission:

GeneDx
Classification: Uncertain significance. Last evaluated: 2025-03-12. Review status: criteria provided, single submitter. Criteria: GeneDx Variant Classification Process June 2021. Collection method: clinical testing. Allele origin: germline. Affected: yes.
Comment: Not observed at significant frequency in large population cohorts (gnomAD); In silico analysis indicates that this missense variant does not alter protein structure/function; Has not been previously published as pathogenic or benign to our knowledge

NM_016333.4(SRRM2):c.4907G>A (p.Ser1636Asn)

Gene: SRRM2 (serine/arginine repetitive matrix 2; plus strand). Cytogenetic location: 16p13.3.
Variant type: single nucleotide variant.
Coding change: c.4907G>A on transcript NM_016333.4 (MANE Select); coding-DNA position 4907, G replaced by A.
Protein change: p.Ser1636Asn; replaces serine 1636 with asparagine.
Molecular consequence: missense variant.
Genome position (GRCh38, 1-based): chr16:2,765,435, G>A. VCF-style: chr16-2765435-G-A. GRCh37 (hg19) VCF-style: chr16-2815436-G-A.
Other names: short protein forms S1636N.
Identifiers: ClinVar variation 4083147 (VCV004083147.1).